The following is an entry in ClinVar:

NC_000011.9:g.(?_76911660)_(76917177_?)del

Gene: MYO7A (myosin VIIA; plus strand). Cytogenetic location: 11q13.5.
Variant type: Deletion.
Identifiers: ClinVar variation 3244724 (VCV003244724.1).

ClinVar aggregate classification (germline): Likely pathogenic (1 of 4 stars; one submission).

Submission:

Labcorp Genetics (formerly Invitae), Labcorp
Classification: Likely pathogenic. Last evaluated: 2023-04-24. Review status: criteria provided, single submitter. Criteria: Invitae Variant Classification Sherloc (09022015). Collection method: clinical testing. Allele origin: unknown.
Comment: This variant has not been reported in the literature in individuals affected with MYO7A-related conditions. This variant results in the deletion of exons 36-40 and part of exon 41 (c.4852+797_5672delinsCCAGCT) of the MYO7A gene. It is expected to disrupt RNA splicing. Variants that disrupt the donor or acceptor splice site typically lead to a loss of protein function (PMID: 16199547), and loss-of-function variants in MYO7A are known to be pathogenic (PMID: 8900236, 25404053). In summary, the currently available evidence indicates that the variant is pathogenic, but additional data are needed to prove that conclusively. Therefore, this variant has been classified as Likely Pathogenic.

Literature cited by the submitters: PubMed 16199547; PubMed 8900236; PubMed 25404053.